The following is an entry in ClinVar:

NM_001128840.3(CACNA1D):c.4721G>A (p.Arg1574Gln)

Gene: CACNA1D (calcium voltage-gated channel subunit alpha1 D; plus strand). Cytogenetic location: 3p21.1.
Variant type: single nucleotide variant.
Coding change: c.4721G>A on transcript NM_001128840.3 (MANE Select); coding-DNA position 4721, G replaced by A.
Protein change: p.Arg1574Gln; replaces arginine 1574 with glutamine.
Molecular consequence: missense variant.
Genome position (GRCh38, 1-based): chr3:53,781,596, G>A. VCF-style: chr3-53781596-G-A. GRCh37 (hg19) VCF-style: chr3-53815623-G-A.
Other names: c.4781G>A, p.Arg1594Gln (NM_000720.4); c.4676G>A, p.Arg1559Gln (NM_001128839.3); short protein forms R1574Q, R1559Q, R1594Q.
Identifiers: ClinVar variation 1938192 (VCV001938192.5), dbSNP rs375679511, ClinGen allele CA2454971.
Genomic context (GRCh38, chr3:53,781,596, plus strand): 5'-TGCTTTTCCCCTTTTGTTTTTTGAATCCAGGGAACCTGGAGCAAGCTAATGAAGAACTTC[G>A]GGCTGTGATAAAGAAAATTTGGAAGAAAACCAGCATGAAATTACTTGACCAAGTTGTCCC-3'
Protein context (NP_001122312.1, residues 1564-1584): GNLEQANEEL[Arg1574Gln]AVIKKIWKKT

ClinVar aggregate classification (germline): Uncertain significance (1 of 4 stars; one submission).

Allele frequency attached by ClinVar (database versions not stated): gnomAD 0.00001; ExAC 0.00002; ESP Exome Variant Server 0.00008.

Submission:

Labcorp Genetics (formerly Invitae), Labcorp
Classification: Uncertain significance. Last evaluated: 2023-11-09. Review status: criteria provided, single submitter. Criteria: Invitae Variant Classification Sherloc (09022015). Collection method: clinical testing. Allele origin: germline.
Comment: This sequence change replaces arginine, which is basic and polar, with glutamine, which is neutral and polar, at codon 1594 of the CACNA1D protein (p.Arg1594Gln). This variant is present in population databases (rs375679511, gnomAD 0.01%). This variant has not been reported in the literature in individuals affected with CACNA1D-related conditions. ClinVar contains an entry for this variant (Variation ID: 1938192). Advanced modeling of protein sequence and biophysical properties (such as structural, functional, and spatial information, amino acid conservation, physicochemical variation, residue mobility, and thermodynamic stability) performed at Invitae indicates that this missense variant is not expected to disrupt CACNA1D protein function with a negative predictive value of 80%. In summary, the available evidence is currently insufficient to determine the role of this variant in disease. Therefore, it has been classified as a Variant of Uncertain Significance.